The following is an entry in ClinVar:

NM_001374736.1(DST):c.18820C>T (p.Arg6274Cys)

Gene: DST (dystonin; minus strand). Cytogenetic location: 6p12.1.
Variant type: single nucleotide variant.
Coding change: c.18820C>T on transcript NM_001374736.1 (MANE Select); coding-DNA position 18820, C replaced by T.
Protein change: p.Arg6274Cys; replaces arginine 6274 with cysteine.
Molecular consequence: missense variant.
Genome position (GRCh38, 1-based): chr6:56,509,834, G>A on the plus strand (C>T on the coding strand, the complement: DST is on the minus strand). VCF-style: chr6-56509834-G-A. GRCh37 (hg19) VCF-style: chr6-56374632-G-A.
Other names: c.12463C>T, p.Arg4155Cys (NM_001144769.5); c.12049C>T, p.Arg4017Cys (NM_001144770.2); c.18820C>T, p.Arg6274Cys (NM_001374722.1); c.17860C>T, p.Arg5954Cys (NM_001374729.1); c.11602C>T, p.Arg3868Cys (NM_001374730.1); c.18847C>T, p.Arg6283Cys (NM_001374734.1); c.11929C>T, p.Arg3977Cys (NM_001386100.1, NM_183380.4); c.10951C>T, p.Arg3651Cys (NM_015548.5); short protein forms R4155C, R6283C, R3977C, R6274C, R3651C, R5954C, R3868C, R4017C.
Identifiers: ClinVar variation 1382672 (VCV001382672.6), dbSNP rs539502633, ClinGen allele CA3867134.

ClinVar aggregate classification (germline): Uncertain significance (1 of 4 stars; one submission).

Conditions:
Hereditary sensory and autonomic neuropathy type 6. Also called: HSAN VI; Neuropathy, hereditary sensory and autonomic, type VI. Identifiers: Orphanet 314381, MedGen C3539003, MONDO:0013839, OMIM 614653.
Epidermolysis bullosa simplex 3, localized or generalized intermediate, with BP230 deficiency (EBS3). Also called: Epidermolysis bullosa simplex, autosomal recessive 2; Epidermolysis bullosa simplex due to BP230 deficiency. Identifiers: Orphanet 412181, MedGen C3809470, MONDO:0014180, OMIM 615425.

Allele frequency attached by ClinVar (database versions not stated): gnomAD exomes 0.00001; TOPMed 0.00001; ExAC 0.00002; 1000 Genomes Project 30x 0.00016; 1000 Genomes Project 0.00020.
gnomAD v4.1: 17 of 1,613,302 alleles (0.0011%); highest among the groups gnomAD compares: African/African-American, 0.0027%; no homozygotes.

Submission:

Labcorp Genetics (formerly Invitae), Labcorp
Classification: Uncertain significance for Epidermolysis bullosa simplex 3, localized or generalized intermediate, with BP230 deficiency; Hereditary sensory and autonomic neuropathy type 6. Last evaluated: 2021-11-07. Review status: criteria provided, single submitter. Criteria: Invitae Variant Classification Sherloc (09022015). Collection method: clinical testing. Allele origin: germline.
Comment: This sequence change replaces arginine, which is basic and polar, with cysteine, which is neutral and slightly polar, at codon 3651 of the DST protein (p.Arg3651Cys). This variant is present in population databases (rs539502633, gnomAD 0.007%). This variant has not been reported in the literature in individuals affected with DST-related conditions. The DST gene has multiple clinically relevant transcripts. This variant occurs in alternate transcript NM_015548.4, and corresponds to NM_001723.5:c.*105683C>T in the primary transcript. In summary, the available evidence is currently insufficient to determine the role of this variant in disease. Therefore, it has been classified as a Variant of Uncertain Significance. Experimental studies and prediction algorithms are not available or were not evaluated, and the functional significance of this variant is currently unknown.